The following is an entry in ClinVar:

ClinVar aggregate classification (germline): Pathogenic. Review status: criteria provided, multiple submitters, no conflicts (2 of 4 stars). 3 submissions from 3 submitters: Pathogenic (2). 1 of the submissions does not count toward it. Last evaluated 2024-11-04.

Conditions:
FKBP10-related disorders.
Osteogenesis imperfecta type 12 (OI12). Also called: OI, TYPE XII; Osteogenesis imperfecta, type XII. Identifiers: Orphanet 666, MedGen C3151433, MONDO:0013460, OMIM 613849.

Submissions (3):

Blueprint Genetics
Classification: Pathogenic for FKBP10-related disorders. Last evaluated: 2024-11-04. Review status: criteria provided, single submitter. Criteria: ACMG Guidelines, 2015. Collection method: clinical testing. Allele origin: germline. Affected: yes. Observed: 4 variant alleles.

Labcorp Genetics (formerly Invitae), Labcorp
Classification: Pathogenic. Last evaluated: 2023-11-29. Review status: criteria provided, single submitter. Criteria: Invitae Variant Classification Sherloc (09022015). Collection method: clinical testing. Allele origin: germline.
Comment: This sequence change creates a premature translational stop signal (p.Ile317Tyrfs*56) in the FKBP10 gene. It is expected to result in an absent or disrupted protein product. Loss-of-function variants in FKBP10 are known to be pathogenic (PMID: 22689593, 22949511). This variant is not present in population databases (gnomAD no frequency). This premature translational stop signal has been observed in individual(s) with Bruck syndrome (PMID: 22949511). ClinVar contains an entry for this variant (Variation ID: 41899). Algorithms developed to predict the effect of sequence changes on RNA splicing suggest that this variant may disrupt the consensus splice site. For these reasons, this variant has been classified as Pathogenic.

OMIM
Classification: Pathogenic for OSTEOGENESIS IMPERFECTA, TYPE XI. Last evaluated: 2013-01-01. Review status: no assertion criteria provided. Collection method: literature only. Allele origin: germline. Not counted in ClinVar's aggregate classification.

Literature cited by the submitters: PubMed 22689593 (cited by Labcorp Genetics (formerly Invitae), Labcorp); PubMed 22949511 (cited by Labcorp Genetics (formerly Invitae), Labcorp and OMIM).

NM_021939.4(FKBP10):c.948dup (p.Ile317fs)

Gene: FKBP10 (FKBP prolyl isomerase 10; plus strand). Cytogenetic location: 17q21.2.
Variant type: Duplication.
Coding change: c.948dup on transcript NM_021939.4 (MANE Select); coding-DNA position 948, one base duplicated (T; older notation c.948dupT).
Protein change: p.Ile317fs; shifts the reading frame from isoleucine 317.
Molecular consequence: frameshift variant.
Genome position (GRCh38, 1-based): chr17:41,819,560, T duplicated. VCF-style (leftmost placement, unchanged base first): chr17-41819559-A-AT. GRCh37 (hg19) VCF-style: chr17-39975811-A-AT.
Other names: short protein forms I317fs.
Identifiers: ClinVar variation 41899 (VCV000041899.5), dbSNP rs387907325, ClinGen allele CA130901.